The following is an entry in ClinVar:

NM_007129.5(ZIC2):c.739A>G (p.Met247Val)

Gene: ZIC2 (Zic family zinc finger 2; plus strand). Cytogenetic location: 13q32.3.
Variant type: single nucleotide variant.
Coding change: c.739A>G on transcript NM_007129.5 (MANE Select); coding-DNA position 739, A replaced by G.
Protein change: p.Met247Val; replaces methionine 247 with valine.
Molecular consequence: missense variant.
Genome position (GRCh38, 1-based): chr13:99,982,803, A>G. VCF-style: chr13-99982803-A-G. GRCh37 (hg19) VCF-style: chr13-100635057-A-G.
Other names: short protein forms M247V.
Identifiers: ClinVar variation 1338335 (VCV001338335.10), dbSNP rs2053243222, ClinGen allele CA388637956.
Genomic context (GRCh38, chr13:99,982,803, plus strand): 5'-GCAGCCGCGGCCCACCACCACCACCACCACCACCACCACCCCGGTGCCTTTTTCCGCTAT[A>G]TGCGGCAGCAGTGCATCAAGCAGGAGCTAATCTGCAAGTGGATCGACCCCGAGCAACTGA-3'
Protein context (NP_009060.2, residues 237-257): HHHPGAFFRY[Met247Val]RQQCIKQELI

ClinVar aggregate classification (germline): Uncertain significance. Review status: criteria provided, multiple submitters, no conflicts (2 of 4 stars). 2 submissions from 2 submitters: Uncertain significance (2). Last evaluated 2021-09-15.

Conditions:
Holoprosencephaly 5 (HPE5). Identifiers: Orphanet 2162, MedGen C1864827, MONDO:0012322, OMIM 609637.

Allele frequency attached by ClinVar (database versions not stated): TOPMed below 0.00001.

Submissions (2):

Labcorp Genetics (formerly Invitae), Labcorp
Classification: Uncertain significance for Holoprosencephaly 5. Last evaluated: 2021-09-15. Review status: criteria provided, single submitter. Criteria: Invitae Variant Classification Sherloc (09022015). Collection method: clinical testing. Allele origin: germline.
Comment: This variant has not been reported in the literature in individuals affected with ZIC2-related conditions. This variant is not present in population databases (ExAC no frequency). This sequence change replaces methionine with valine at codon 247 of the ZIC2 protein (p.Met247Val). The methionine residue is highly conserved and there is a small physicochemical difference between methionine and valine. In summary, the available evidence is currently insufficient to determine the role of this variant in disease. Therefore, it has been classified as a Variant of Uncertain Significance. Algorithms developed to predict the effect of missense changes on protein structure and function are either unavailable or do not agree on the potential impact of this missense change (SIFT: "Deleterious"; PolyPhen-2: "Possibly Damaging"; Align-GVGD: "Class C15").

Genetic Services Laboratory, University of Chicago
Classification: Uncertain significance. Last evaluated: 2017-11-22. Review status: criteria provided, single submitter. Criteria: ACMG Guidelines, 2015. Collection method: clinical testing. Allele origin: germline. Affected: no.